The following is an entry in ClinVar:

NM_017739.4(POMGNT1):c.74_75delinsTT (p.Trp25Phe)

Gene: POMGNT1 (protein O-linked mannose N-acetylglucosaminyltransferase 1 (beta 1,2-); minus strand). Cytogenetic location: 1p34.1.
Variant type: Indel.
Coding change: c.74_75delinsTT on transcript NM_017739.4 (MANE Select); coding-DNA positions 74 to 75, GG replaced by TT.
Protein change: p.Trp25Phe; replaces tryptophan 25 with phenylalanine.
Molecular consequence: missense variant.
Genome position (GRCh38, 1-based): chr1:46,197,747-46,197,748, CC replaced by AA on the plus strand (GG replaced by TT on the coding strand, the reverse complement: POMGNT1 is on the minus strand). VCF-style: chr1-46197747-CC-AA. GRCh37 (hg19) VCF-style: chr1-46663419-CC-AA.
Other names: c.74_75delinsTT, p.Trp25Phe (NM_001243766.2); short protein forms W25F.
Identifiers: ClinVar variation 1477909 (VCV001477909.8), dbSNP rs2148222600, ClinGen allele CA2573132059.

ClinVar aggregate classification (germline): Uncertain significance (1 of 4 stars; one submission).

Conditions:
Autosomal recessive limb-girdle muscular dystrophy type 2O. Also called: Limb-Girdle Muscular Dystrophy Type 3C; MUSCULAR DYSTROPHY-DYSTROGLYCANOPATHY (LIMB-GIRDLE), TYPE C, 3; MUSCULAR DYSTROPHY-DYSTROGLYCANOPATHY, LIMB-GIRDLE, POMGNT1-RELATED. Identifiers: Orphanet 206564, MedGen C3150417, MONDO:0013161, OMIM 613157.
Muscular dystrophy-dystroglycanopathy (congenital with impaired intellectual development), type B, 3. Also called: Muscular dystrophy-dystroglycanopathy (congenital with intellectual disability), type B3; MUSCULAR DYSTROPHY, CONGENITAL, POMGNT1-RELATED. Identifiers: MedGen C3150412, MONDO:0013155, OMIM 613151.

Submission:

Labcorp Genetics (formerly Invitae), Labcorp
Classification: Uncertain significance for Autosomal recessive limb-girdle muscular dystrophy type 2O; Muscular dystrophy-dystroglycanopathy (congenital with impaired intellectual development), type B, 3. Last evaluated: 2023-12-06. Review status: criteria provided, single submitter. Criteria: Invitae Variant Classification Sherloc (09022015). Collection method: clinical testing. Allele origin: germline.
Comment: This sequence change replaces tryptophan with phenylalanine at codon 25 of the POMGNT1 protein (p.Trp25Phe). The tryptophan residue is highly conserved and there is a small physicochemical difference between tryptophan and phenylalanine. This variant is present in population databases (no rsID available, gnomAD 0.0004%). This variant has not been reported in the literature in individuals affected with POMGNT1-related conditions. ClinVar contains an entry for this variant (Variation ID: 1477909). An algorithm developed to predict the effect of missense changes on protein structure and function (PolyPhen-2) suggests that this variant is likely to be disruptive. In summary, the available evidence is currently insufficient to determine the role of this variant in disease. Therefore, it has been classified as a Variant of Uncertain Significance.